The following is an entry in ClinVar:

NM_004525.3(LRP2):c.8529C>T (p.Asp2843=)

Gene: LRP2 (LDL receptor related protein 2; minus strand). Cytogenetic location: 2q31.1.
Variant type: single nucleotide variant.
Coding change: c.8529C>T on transcript NM_004525.3 (MANE Select); coding-DNA position 8529, C replaced by T.
Protein change: p.Asp2843=; no amino-acid change (aspartic acid 2843 retained).
Molecular consequence: synonymous variant.
Genome position (GRCh38, 1-based): chr2:169,198,835, G>A on the plus strand (C>T on the coding strand, the complement: LRP2 is on the minus strand). VCF-style: chr2-169198835-G-A. GRCh37 (hg19) VCF-style: chr2-170055345-G-A.
Identifiers: ClinVar variation 893490 (VCV000893490.14), dbSNP rs144486598, ClinGen allele CA1953830.

ClinVar aggregate classification (germline): Conflicting classifications of pathogenicity. Review status: criteria provided, conflicting classifications (1 of 4 stars). 4 submissions from 4 submitters: Uncertain significance (1); Likely benign (2). 1 of the submissions does not count toward it. Last evaluated 2026-01-27.

Conditions:
LRP2-related disorder. Also called: LRP2-related condition.
Donnai-Barrow syndrome. Also called: FACIOOCULOACOUSTICORENAL SYNDROME; DBS/FOAR SYNDROME. Identifiers: Orphanet 2143, MedGen C1857277, MONDO:0009104, OMIM 222448.

Allele frequency attached by ClinVar (database versions not stated): ExAC 0.00009; TOPMed 0.00029; ESP Exome Variant Server 0.00046; gnomAD exomes 0.00009 and 0.00014; gnomAD 0.00022 and 0.00025.
gnomAD v4.1: 166 of 1,613,804 alleles (0.01%); highest among the groups gnomAD compares: African/African-American, 0.077%; no homozygotes.

Submissions (4):

Labcorp Genetics (formerly Invitae), Labcorp
Classification: Likely benign. Last evaluated: 2026-01-27. Review status: criteria provided, single submitter. Criteria: Invitae Variant Classification Sherloc (09022015). Collection method: clinical testing. Allele origin: germline.

Blueprint Genetics
Classification: Likely benign. Last evaluated: 2022-06-13. Review status: criteria provided, single submitter. Criteria: ACMG Guidelines, 2015. Collection method: clinical testing. Allele origin: germline.

Illumina Laboratory Services, Illumina
Classification: Uncertain significance for Donnai-Barrow syndrome. Last evaluated: 2018-01-13. Review status: criteria provided, single submitter. Criteria: ICSL Variant Classification Criteria 13 December 2019. Collection method: clinical testing. Allele origin: germline.

PreventionGenetics, part of Exact Sciences
Classification: Likely benign for LRP2-related condition. Last evaluated: 2019-08-09. Review status: no assertion criteria provided. Collection method: clinical testing. Allele origin: germline. Not counted in ClinVar's aggregate classification.
Comment: This variant is classified as likely benign based on ACMG/AMP sequence variant interpretation guidelines (Richards et al. 2015 PMID: 25741868, with internal and published modifications).